The following is an entry in ClinVar:

ClinVar aggregate classification (germline): Uncertain significance (1 of 4 stars; one submission).

Conditions:
Mesangiocapillary glomerulonephritis. Also called: Membranoproliferative glomerulonephritis. Identifiers: MedGen C0017662, MONDO:0002461, HP:0000793.

Submission:

Genomenon, Inc
Classification: Uncertain significance for Primary membranoproliferative glomerulonephritis. Last evaluated: 2026-09-17. Review status: criteria provided, single submitter. Criteria: Genomenon Sequence Variant Interpretation Standards - Updated. Collection method: curation. Allele origin: germline. Affected: yes.
Comment: DGKE c.1282_1284+18del is a deletion that affects the donor splice site of intron 9. This variant has been observed in at least one proband affected with membranoproliferative glomerulonephritis (PMID:37433757). It is absent or not present at a significant frequency in gnomAD. In conclusion, we classify DGKE c.1282_1284+18del as a variant of uncertain significance.

Literature cited by the submitters: PubMed 37433757.

NM_003647.3(DGKE):c.1282_1284+18del

Gene: DGKE (diacylglycerol kinase epsilon; plus strand). Cytogenetic location: 17q22.
Variant type: Deletion.
Coding change: c.1282_1284+18del on transcript NM_003647.3 (MANE Select); coding-DNA position 1282 through 18 bases into the intron after coding-DNA position 1284, 21 bases deleted (GAGGTAAGCTATTAACACTTT).
Molecular consequence: splice donor variant.
Genome position (GRCh38, 1-based): chr17:56,858,663-56,858,683, GAGGTAAGCTATTAACACTTT deleted; deleting any 21 consecutive bases within chr17:56,858,661-56,858,683 gives the same sequence; the c. name uses the placement nearest the transcript's 3' end. VCF-style (leftmost placement, unchanged base first): chr17-56858660-GTTGAGGTAAGCTATTAACACT-G. GRCh37 (hg19) VCF-style: chr17-54936021-GTTGAGGTAAGCTATTAACACT-G.
Identifiers: ClinVar variation 4280373 (VCV004280373.2).